The following is an entry in ClinVar:

ClinVar aggregate classification (germline): Uncertain significance (1 of 4 stars; one submission).

Submission:

Labcorp Genetics (formerly Invitae), Labcorp
Classification: Uncertain significance. Last evaluated: 2025-08-04. Review status: criteria provided, single submitter. Criteria: Invitae Variant Classification Sherloc (09022015). Collection method: clinical testing. Allele origin: germline.
Comment: This sequence change replaces arginine, which is basic and polar, with histidine, which is basic and polar, at codon 162 of the LOX protein (p.Arg162His). This variant is not present in population databases (gnomAD no frequency). This variant has not been reported in the literature in individuals affected with LOX-related conditions. An algorithm developed to predict the effect of missense changes on protein structure and function outputs the following: PolyPhen-2: "Benign". The histidine amino acid residue is found in multiple mammalian species, which suggests that this missense change does not adversely affect protein function. In summary, the available evidence is currently insufficient to determine the role of this variant in disease. Therefore, it has been classified as a Variant of Uncertain Significance.

NM_002317.7(LOX):c.485G>A (p.Arg162His)

Genes: LOX (lysyl oxidase; minus strand), SRFBP1 (serum response factor binding protein 1; plus strand). Cytogenetic location: 5q23.1.
Variant type: single nucleotide variant.
Coding change: c.485G>A on transcript NM_002317.7 (MANE Select); coding-DNA position 485, G replaced by A.
Protein change: p.Arg162His; replaces arginine 162 with histidine.
Molecular consequence: missense variant.
Genome position (GRCh38, 1-based): chr5:122,077,501, C>T on the plus strand (G>A on the coding strand, the complement: LOX is on the minus strand). VCF-style: chr5-122077501-C-T. GRCh37 (hg19) VCF-style: chr5-121413196-C-T.
Other names: short protein forms R162H.
Identifiers: ClinVar variation 4760767 (VCV004760767.1).